The following is an entry in ClinVar:

ClinVar aggregate classification (germline): Uncertain significance (1 of 4 stars; one submission).

Conditions:
ALG3-congenital disorder of glycosylation. Also called: CDG Id; CARBOHYDRATE-DEFICIENT GLYCOPROTEIN SYNDROME, TYPE IV; CDGS, TYPE IV; CONGENITAL DISORDER OF GLYCOSYLATION, TYPE Id; ALG3-CDG. Identifiers: Orphanet 79321, MedGen C1832736, MONDO:0010998, OMIM 601110.

Allele frequency attached by ClinVar (database versions not stated): 1000 Genomes Project 30x 0.00016.
gnomAD v4.1: 43 of 1,585,330 alleles (0.0027%); highest among the groups gnomAD compares: South Asian, 0.032%; no homozygotes.

Submission:

Labcorp Genetics (formerly Invitae), Labcorp
Classification: Uncertain significance for ALG3-congenital disorder of glycosylation. Last evaluated: 2022-01-14. Review status: criteria provided, single submitter. Criteria: Invitae Variant Classification Sherloc (09022015). Collection method: clinical testing. Allele origin: germline.
Comment: This sequence change replaces arginine, which is basic and polar, with tryptophan, which is neutral and slightly polar, at codon 6 of the ALG3 protein (p.Arg6Trp). This variant is present in population databases (rs199587005, gnomAD 0.07%). This variant has not been reported in the literature in individuals affected with ALG3-related conditions. Algorithms developed to predict the effect of missense changes on protein structure and function are either unavailable or do not agree on the potential impact of this missense change (SIFT: "Deleterious"; PolyPhen-2: "Probably Damaging"; Align-GVGD: "Class C0"). In summary, the available evidence is currently insufficient to determine the role of this variant in disease. Therefore, it has been classified as a Variant of Uncertain Significance.

NM_005787.6(ALG3):c.16C>T (p.Arg6Trp)

Gene: ALG3 (ALG3 alpha-1,3- mannosyltransferase; minus strand). Cytogenetic location: 3q27.1.
Variant type: single nucleotide variant.
Coding change: c.16C>T on transcript NM_005787.6 (MANE Select); coding-DNA position 16, C replaced by T.
Protein change: p.Arg6Trp; replaces arginine 6 with tryptophan.
Molecular consequence: missense variant. On other transcripts: non-coding transcript variant (2), intron variant (1).
Genome position (GRCh38, 1-based): chr3:184,248,925, G>A on the plus strand (C>T on the coding strand, the complement: ALG3 is on the minus strand). VCF-style: chr3-184248925-G-A. GRCh37 (hg19) VCF-style: chr3-183966713-G-A.
Other names: c.52+301C>T (NM_001006941.2); short protein forms R6W.
Identifiers: ClinVar variation 1428388 (VCV001428388.5), dbSNP rs199587005, ClinGen allele CA2729683.